The following is an entry in ClinVar:

ClinVar aggregate classification (germline): Uncertain significance. Review status: criteria provided, multiple submitters, no conflicts (2 of 4 stars). 3 submissions from 3 submitters: Uncertain significance (2). 1 of the submissions does not count toward it. Last evaluated 2026-02-03.

Conditions:
Hereditary cancer-predisposing syndrome. Also called: Hereditary neoplastic syndrome; Hereditary Cancer Syndrome; Neoplastic Syndromes, Hereditary; Tumor predisposition. Identifiers: Orphanet 140162, MedGen C0027672, MeSH D009386, MONDO:0015356.
Bloom syndrome (BLM). Also called: Bloom-Torre-Machacek syndrome. Identifiers: Orphanet 125, MedGen C0005859, MONDO:0008876, OMIM 210900.

Allele frequency attached by ClinVar (database versions not stated): ExAC 0.00001; gnomAD 0.00001; gnomAD exomes 0.00001.
gnomAD v4.1: 23 of 1,614,106 alleles (0.0014%); highest among the groups gnomAD compares: East Asian, 0.0022%; no homozygotes.

Submissions (3):

Labcorp Genetics (formerly Invitae), Labcorp
Classification: Uncertain significance for Bloom syndrome. Last evaluated: 2026-02-03. Review status: criteria provided, single submitter. Criteria: Invitae Variant Classification Sherloc (09022015). Collection method: clinical testing. Allele origin: germline.
Comment: This sequence change replaces isoleucine, which is neutral and non-polar, with valine, which is neutral and non-polar, at codon 243 of the BLM protein (p.Ile243Val). This variant is present in population databases (rs201722470, gnomAD 0.004%). This variant has not been reported in the literature in individuals affected with BLM-related conditions. ClinVar contains an entry for this variant (Variation ID: 236826). An algorithm developed to predict the effect of missense changes on protein structure and function outputs the following: PolyPhen-2: "Benign". The valine amino acid residue is found in multiple mammalian species, which suggests that this missense change does not adversely affect protein function. In summary, the available evidence is currently insufficient to determine the role of this variant in disease. Therefore, it has been classified as a Variant of Uncertain Significance.

Ambry Genetics
Classification: Uncertain significance for Hereditary cancer-predisposing syndrome. Last evaluated: 2024-11-25. Review status: criteria provided, single submitter. Criteria: Ambry Variant Classification Scheme 2023. Collection method: clinical testing. Allele origin: germline.

Natera, Inc.
Classification: Uncertain significance for Bloom syndrome. Last evaluated: 2018-09-11. Review status: no assertion criteria provided. Collection method: clinical testing. Allele origin: germline. Not counted in ClinVar's aggregate classification.

NM_000057.4(BLM):c.727A>G (p.Ile243Val)

Gene: BLM (BLM RecQ like helicase; plus strand). Cytogenetic location: 15q26.1.
Variant type: single nucleotide variant.
Coding change: c.727A>G on transcript NM_000057.4 (MANE Select); coding-DNA position 727, A replaced by G.
Protein change: p.Ile243Val; replaces isoleucine 243 with valine.
Molecular consequence: missense variant. On other transcripts: 5 prime UTR variant (1).
Genome position (GRCh38, 1-based): chr15:90,749,995, A>G. VCF-style: chr15-90749995-A-G. GRCh37 (hg19) VCF-style: chr15-91293225-A-G.
Other names: c.727A>G, p.Ile243Val (NM_001287246.2, NM_001287247.2); c.-565A>G (NM_001287248.2); short protein forms I243V.
Identifiers: ClinVar variation 236826 (VCV000236826.17), dbSNP rs201722470, ClinGen allele CA7738339.